The following is an entry in ClinVar:

ClinVar aggregate classification (germline): Likely benign (1 of 4 stars; one submission).

Allele frequency attached by ClinVar (database versions not stated): ExAC 0.00023.

Submission:

CeGaT Center for Human Genetics Tuebingen
Classification: Likely benign. Last evaluated: 2025-06-01. Review status: criteria provided, single submitter. Criteria: CeGaT Center For Human Genetics Tuebingen Variant Classification Criteria Version 2. Collection method: clinical testing. Allele origin: germline. Affected: yes. Observed: 2 variant alleles.
Comment: UBC: BP4, BP7

NM_021009.7(UBC):c.583T>C (p.Leu195=)

Gene: UBC (ubiquitin C; minus strand). Cytogenetic location: 12q24.31.
Variant type: single nucleotide variant.
Coding change: c.583T>C on transcript NM_021009.7 (MANE Select); coding-DNA position 583, T replaced by C.
Protein change: p.Leu195=; no amino-acid change (leucine 195 retained).
Molecular consequence: synonymous variant.
Genome position (GRCh38, 1-based): chr12:124,913,189, A>G on the plus strand (T>C on the coding strand, the complement: UBC is on the minus strand). VCF-style: chr12-124913189-A-G. GRCh37 (hg19) VCF-style: chr12-125397735-A-G.
Identifiers: ClinVar variation 2643571 (VCV002643571.24), dbSNP rs782565370, ClinGen allele CA684836466.